The following is an entry in ClinVar:

ClinVar aggregate classification (germline): Uncertain significance (1 of 4 stars; one submission).

Allele frequency attached by ClinVar (database versions not stated): TOPMed 0.00001; ExAC 0.00002.

Submission:

GeneDx
Classification: Uncertain significance. Last evaluated: 2022-03-17. Review status: criteria provided, single submitter. Criteria: GeneDx Variant Classification Process June 2021. Collection method: clinical testing. Allele origin: germline. Affected: yes.
Comment: Not observed at significant frequency in large population cohorts (gnomAD); In silico analysis supports that this missense variant has a deleterious effect on protein structure/function; Has not been previously published as pathogenic or benign to our knowledge

NM_018896.5(CACNA1G):c.824G>A (p.Arg275His)

Gene: CACNA1G (calcium voltage-gated channel subunit alpha1 G; plus strand). Cytogenetic location: 17q21.33.
Variant type: single nucleotide variant.
Coding change: c.824G>A on transcript NM_018896.5 (MANE Select); coding-DNA position 824, G replaced by A.
Protein change: p.Arg275His; replaces arginine 275 with histidine.
Molecular consequence: missense variant. On other transcripts: non-coding transcript variant (5).
Genome position (GRCh38, 1-based): chr17:50,572,631, G>A. VCF-style: chr17-50572631-G-A. GRCh37 (hg19) VCF-style: chr17-48649992-G-A.
Other names: c.824G>A, p.Arg275His (NM_001256324.2, NM_001256325.2, NM_001256326.2 and 24 more transcripts); short protein forms R275H.
Identifiers: ClinVar variation 1706218 (VCV001706218.2), dbSNP rs748238427, ClinGen allele CA8652042.